The following is an entry in ClinVar:

ClinVar aggregate classification (germline): Benign. Review status: criteria provided, multiple submitters, no conflicts (2 of 4 stars). 2 submissions from 2 submitters: Benign (2). Last evaluated 2018-06-14.

Allele frequency attached by ClinVar (database versions not stated): 1000 Genomes Project 0.52855; 1000 Genomes Project 30x 0.53841; gnomAD 0.59622 and 0.60577; TOPMed 0.59810.
gnomAD v4.1: 90,500 of 152,050 alleles (60%); highest among the groups gnomAD compares: African/African-American, 69%; 27,423 homozygotes.

Submissions (2):

GeneDx
Classification: Benign. Last evaluated: 2018-06-14. Review status: criteria provided, single submitter. Criteria: GeneDx Variant Classification (06012015). Collection method: clinical testing. Allele origin: germline. Affected: yes.
Comment: This variant is considered likely benign or benign based on one or more of the following criteria: it is a conservative change, it occurs at a poorly conserved position in the protein, it is predicted to be benign by multiple in silico algorithms, and/or has population frequency not consistent with disease.

Breakthrough Genomics
Classification: Benign. Review status: criteria provided, single submitter. Criteria: ACMG Guidelines, 2015. Collection method: not provided. Allele origin: germline. Inheritance: Autosomal recessive inheritance. Affected: yes.

NM_000048.4(ASL):c.12+227C>G

Genes: ASL (argininosuccinate lyase; plus strand), LOC129998526 (ATAC-STARR-seq lymphoblastoid active region 26080; plus strand). Cytogenetic location: 7q11.21.
Variant type: single nucleotide variant.
Coding change: c.12+227C>G on transcript NM_000048.4 (MANE Select); 227 bases into the intron after coding-DNA position 12, C replaced by G.
Molecular consequence: intron variant.
Genome position (GRCh38, 1-based): chr7:66,076,320, C>G. VCF-style: chr7-66076320-C-G. GRCh37 (hg19) VCF-style: chr7-65541307-C-G.
Other names: c.12+227C>G (NM_001024943.2, NM_001024944.2, NM_001024946.2).
Identifiers: ClinVar variation 680525 (VCV000680525.2), dbSNP rs1144895, ClinGen allele CA12509722.